The following is an entry in ClinVar:

NM_001161352.2(KCNMA1):c.1372C>T (p.Arg458Ter)

Gene: KCNMA1 (potassium calcium-activated channel subfamily M alpha 1; minus strand). Cytogenetic location: 10q22.3.
Variant type: single nucleotide variant.
Coding change: c.1372C>T on transcript NM_001161352.2 (MANE Select); coding-DNA position 1372, C replaced by T.
Protein change: p.Arg458Ter; replaces arginine 458 with a stop codon.
Molecular consequence: nonsense.
Genome position (GRCh38, 1-based): chr10:77,086,556, G>A on the plus strand (C>T on the coding strand, the complement: KCNMA1 is on the minus strand). VCF-style: chr10-77086556-G-A. GRCh37 (hg19) VCF-style: chr10-78846314-G-A.
Other names: c.1372C>T (NM_002247.3); c.1372C>T, p.Arg458Ter (NM_001014797.3, NM_001161353.2, NM_001271519.2 and 7 more transcripts); c.1210C>T, p.Arg404Ter (NM_001271518.2); c.832C>T, p.Arg278Ter (NM_001322838.2); short protein forms R458*, R278*, R404*.
Identifiers: ClinVar variation 691495 (VCV000691495.2), dbSNP rs1328294721, ClinGen allele CA377406952.

ClinVar aggregate classification (germline): Pathogenic. Review status: criteria provided, single submitter (1 of 4 stars). 2 submissions from 2 submitters: Pathogenic (1). 1 of the submissions does not count toward it. Last evaluated 2025-05-08.

Conditions:
Cerebellar atrophy, developmental delay, and seizures. Identifiers: MedGen C4539985, MONDO:0060551, OMIM 617643.

gnomAD v4.1: 1 of 1,613,984 alleles (0.000062%); highest among the groups gnomAD compares: Non-Finnish European, 0.000085%; no homozygotes.

Submissions (2):

GeneDx
Classification: Pathogenic. Last evaluated: 2025-05-08. Review status: criteria provided, single submitter. Criteria: GeneDx Variant Classification Process June 2021. Collection method: clinical testing. Allele origin: germline. Affected: yes.
Comment: Nonsense variant predicted to result in protein truncation or nonsense mediated decay in a gene for which loss of function is a known mechanism of disease; Not observed at significant frequency in large population cohorts (gnomAD); This variant is associated with the following publications: (PMID: 37269313, 29545233)

OMIM
Classification: Pathogenic for CEREBELLAR ATROPHY, DEVELOPMENTAL DELAY, AND SEIZURES. Last evaluated: 2019-09-26. Review status: no assertion criteria provided. Collection method: literature only. Allele origin: germline. Not counted in ClinVar's aggregate classification.

Literature cited by the submitters: PubMed 29545233 (cited by OMIM).